The following is an entry in ClinVar:

ClinVar aggregate classification (germline): Pathogenic. Review status: criteria provided, multiple submitters, no conflicts (2 of 4 stars). 4 submissions from 4 submitters: Pathogenic (3). 1 of the submissions does not count toward it. Last evaluated 2024-06-07.

Conditions:
Lysinuric protein intolerance (LPI). Identifiers: Orphanet 470, MedGen C0268647, MONDO:0009109, OMIM 222700.

Submissions (4):

Natera, Inc.
Classification: Pathogenic for Lysinuric protein intolerance. Last evaluated: 2024-06-07. Review status: criteria provided, single submitter. Criteria: Natera Variant Classification Schema (03/2026). Collection method: clinical testing. Allele origin: germline.
Comment: The c.215_218delCTCT variant in SLC7A7 is a frameshift variant predicted to shift the reading frame beginning at codon 72 and leads to a stop codon 97 codons downstream. This variant is expected to result in nonsense mediated decay, truncation, or a dysfunctional protein product. This variant is rare in the general population with a frequency below the threshold expected for the associated phenotype(s). This variant has been observed in one or more individuals affected with the associated recessive disease, as either homozygous or compound heterozygous with a second variant (PMID: 10631139). Given the available evidence, this variant is classified as Pathogenic.

Fulgent Genetics
Classification: Pathogenic for Lysinuric protein intolerance. Last evaluated: 2024-04-09. Review status: criteria provided, single submitter. Criteria: ACMG Guidelines, 2015. Collection method: clinical testing. Allele origin: germline.

Labcorp Genetics (formerly Invitae), Labcorp
Classification: Pathogenic for Lysinuric protein intolerance. Last evaluated: 2023-03-13. Review status: criteria provided, single submitter. Criteria: Invitae Variant Classification Sherloc (09022015). Collection method: clinical testing. Allele origin: germline.
Comment: For these reasons, this variant has been classified as Pathogenic. This variant is also known as 455delCTCT. This premature translational stop signal has been observed in individual(s) with lysinuric protein intolerance (PMID: 10631139). This variant is not present in population databases (gnomAD no frequency). This sequence change creates a premature translational stop signal (p.Ser72Trpfs*97) in the SLC7A7 gene. It is expected to result in an absent or disrupted protein product. Loss-of-function variants in SLC7A7 are known to be pathogenic (PMID: 10631139, 17764084).

Juha Muilu Group; Institute for Molecular Medicine Finland (FIMM)
Classification: Likely pathogenic for Lysinuric protein intolerance. Review status: no assertion criteria provided. Collection method: not provided. Allele origin: unknown. Not counted in ClinVar's aggregate classification.
Comment: FinDis database variant: This variant was not found or characterized by our laboratory, data were collected from public sources: see reference
ClinVar note: Converted during submission from probable-pathogenic to Likely pathogenic.

Literature cited by the submitters: PubMed 10631139 (cited by Natera, Inc. and Labcorp Genetics (formerly Invitae), Labcorp); PubMed 17764084 (cited by Labcorp Genetics (formerly Invitae), Labcorp).

NM_003982.4(SLC7A7):c.215_218del (p.Ser72fs)

Gene: SLC7A7 (solute carrier family 7 member 7; minus strand). Cytogenetic location: 14q11.2.
Variant type: Microsatellite.
Coding change: c.215_218del on transcript NM_003982.4 (MANE Select); coding-DNA positions 215 to 218, 4 bases deleted (CTCT; older notation c.215_218delCTCT).
Protein change: p.Ser72fs; shifts the reading frame from serine 72.
Molecular consequence: frameshift variant.
Genome position (GRCh38, 1-based): chr14:22,813,181-22,813,184, AGAG deleted on the plus strand (CTCT on the coding strand, the reverse complement: SLC7A7 is on the minus strand); deleting any 4 consecutive bases within chr14:22,813,181-22,813,189 gives the same sequence; the c. name uses the placement nearest the transcript's 3' end. VCF-style (leftmost placement, unchanged base first): chr14-22813180-CAGAG-C. GRCh37 (hg19) VCF-style: chr14-23282389-CAGAG-C.
Other names: c.215_218delCTCT (NM_001126105.2, NM_001126106.2); c.215_218del, p.Ser72fs (NM_001126105.3, NM_001126106.4); c.215_218del (NM_001126106.2); short protein forms S72fs.
Identifiers: ClinVar variation 56364 (VCV000056364.9), dbSNP rs386833812, ClinGen allele CA263809.